The following is an entry in ClinVar:

ClinVar aggregate classification (germline): Benign/Likely benign. Review status: criteria provided, multiple submitters, no conflicts (2 of 4 stars). 3 submissions from 3 submitters: Benign (1); Likely benign (2). Last evaluated 2026-01-08.

gnomAD v4.1: 131 of 1,613,940 alleles (0.0081%); highest among the groups gnomAD compares: African/African-American, 0.016%; no homozygotes.

Submissions (3):

Women's Health and Genetics/Laboratory Corporation of America, LabCorp
Classification: Benign. Last evaluated: 2026-01-08. Review status: criteria provided, single submitter. Criteria: LabCorp Variant Classification Summary - May 2015. Collection method: clinical testing. Allele origin: germline.

Mayo Clinic Laboratories, Mayo Clinic
Classification: Likely benign. Last evaluated: 2025-09-07. Review status: criteria provided, single submitter. Criteria: ACMG Guidelines, 2015. Collection method: clinical testing. Allele origin: germline. Observed: 2 variant alleles.
Comment: BS1

Blueprint Genetics
Classification: Likely benign. Last evaluated: 2024-10-28. Review status: criteria provided, single submitter. Criteria: ACMG Guidelines, 2015. Collection method: clinical testing. Allele origin: germline.

NM_000093.5(COL5A1):c.*5C>T

Genes: COL5A1 (collagen type V alpha 1 chain; plus strand), LOC101448202 (uncharacterized LOC101448202; minus strand). Cytogenetic location: 9q34.3.
Variant type: single nucleotide variant.
Coding change: c.*5C>T on transcript NM_000093.5 (MANE Select); 5 bases downstream of the stop codon, C replaced by T.
Molecular consequence: 3 prime UTR variant.
Genome position (GRCh38, 1-based): chr9:134,842,308, C>T. VCF-style: chr9-134842308-C-T. GRCh37 (hg19) VCF-style: chr9-137734154-C-T.
Other names: c.*5C>T (NM_001278074.1).
Identifiers: ClinVar variation 4683465 (VCV004683465.3).